The following is an entry in ClinVar:

NM_032638.5(GATA2):c.1295C>G (p.Ala432Gly)

Gene: GATA2 (GATA binding protein 2; minus strand). Cytogenetic location: 3q21.3.
Variant type: single nucleotide variant.
Coding change: c.1295C>G on transcript NM_032638.5 (MANE Select); coding-DNA position 1295, C replaced by G.
Protein change: p.Ala432Gly; replaces alanine 432 with glycine.
Molecular consequence: missense variant.
Genome position (GRCh38, 1-based): chr3:128,481,167, G>C on the plus strand (C>G on the coding strand, the complement: GATA2 is on the minus strand). VCF-style: chr3-128481167-G-C. GRCh37 (hg19) VCF-style: chr3-128200010-G-C.
Other names: c.1295C>G, p.Ala432Gly (NM_001145661.2); c.1253C>G, p.Ala418Gly (NM_001145662.1); short protein forms A432G, A418G.
Identifiers: ClinVar variation 1524056 (VCV001524056.8), dbSNP rs2107667887, ClinGen allele CA354412828.

ClinVar aggregate classification (germline): Uncertain significance (1 of 4 stars; one submission).

Conditions:
Deafness-lymphedema-leukemia syndrome. Also called: Lymphedema, primary, with myelodysplasia; Emberger syndrome. Identifiers: Orphanet 3226, MedGen C3279664, MONDO:0013540, OMIM 614038.
Monocytopenia with susceptibility to infections. Also called: MONOCYTOPENIA AND MYCOBACTERIAL INFECTION SYNDROME; MONOCYTOPENIA WITH SUSCEPTIBILITY TO MYCOBACTERIAL, FUNGAL, AND PAPILLOMAVIRUS INFECTIONS AND MYELODYSPLASIA; COMBINED IMMUNODEFICIENCY WITH SUSCEPTIBILITY TO MYCOBACTERIAL, VIRAL, AND FUNGAL INFECTIONS; Dendritic cell, monocyte, B lymphocyte, and natural killer lymphocyte deficiency; GATA2 DEFICIENCY; IMMUNODEFICIENCY 21. Identifiers: Orphanet 228423, MedGen C3280030, MONDO:0013607, OMIM 614172.

Submission:

Labcorp Genetics (formerly Invitae), Labcorp
Classification: Uncertain significance for Monocytopenia with susceptibility to infections; Deafness-lymphedema-leukemia syndrome. Last evaluated: 2021-04-08. Review status: criteria provided, single submitter. Criteria: Invitae Variant Classification Sherloc (09022015). Collection method: clinical testing. Allele origin: germline.
Comment: In summary, the available evidence is currently insufficient to determine the role of this variant in disease. Therefore, it has been classified as a Variant of Uncertain Significance. Algorithms developed to predict the effect of missense changes on protein structure and function are either unavailable or do not agree on the potential impact of this missense change (SIFT: "Tolerated"; PolyPhen-2: "Probably Damaging"; Align-GVGD: "Class C0"). This variant has not been reported in the literature in individuals with GATA2-related conditions. This variant is not present in population databases (ExAC no frequency). This sequence change replaces alanine with glycine at codon 432 of the GATA2 protein (p.Ala432Gly). The alanine residue is moderately conserved and there is a small physicochemical difference between alanine and glycine.